The following is an entry in ClinVar:

NM_024685.4(BBS10):c.708_711dup (p.Gly238fs)

Gene: BBS10 (Bardet-Biedl syndrome 10; minus strand). Cytogenetic location: 12q21.2.
Variant type: Duplication.
Coding change: c.708_711dup on transcript NM_024685.4 (MANE Select); coding-DNA positions 708 to 711, 4 bases duplicated (AGCT; older notation c.708_711dupAGCT).
Protein change: p.Gly238fs; shifts the reading frame from glycine 238.
Molecular consequence: frameshift variant.
Genome position (GRCh38, 1-based): chr12:76,347,274-76,347,277, AGCT duplicated on the plus strand (AGCT on the coding strand, the reverse complement: BBS10 is on the minus strand); duplicating any 4 consecutive bases within chr12:76,347,274-76,347,278 gives the same sequence; the c. name uses the placement nearest the transcript's 3' end. VCF-style (leftmost placement, unchanged base first): chr12-76347273-C-CAGCT. GRCh37 (hg19) VCF-style: chr12-76741053-C-CAGCT.
Other names: short protein forms G238fs.
Identifiers: ClinVar variation 2752628 (VCV002752628.3), dbSNP rs2540956536, ClinGen allele CA2697551499.

ClinVar aggregate classification (germline): Pathogenic (1 of 4 stars; one submission).

Conditions:
Bardet-Biedl syndrome (BBS). Identifiers: Orphanet 110, MedGen C0752166, MONDO:0015229.

Submission:

Labcorp Genetics (formerly Invitae), Labcorp
Classification: Pathogenic for Bardet-Biedl syndrome. Last evaluated: 2023-08-15. Review status: criteria provided, single submitter. Criteria: Invitae Variant Classification Sherloc (09022015). Collection method: clinical testing. Allele origin: germline.
Comment: For these reasons, this variant has been classified as Pathogenic. This variant disrupts a region of the BBS10 protein in which other variant(s) (p.Val707*) have been determined to be pathogenic (PMID: 20472660, 22773737, 25982971, 27486776). This suggests that this is a clinically significant region of the protein, and that variants that disrupt it are likely to be disease-causing. This variant has not been reported in the literature in individuals affected with BBS10-related conditions. This variant is not present in population databases (gnomAD no frequency). This sequence change creates a premature translational stop signal (p.Gly238Serfs*18) in the BBS10 gene. While this is not anticipated to result in nonsense mediated decay, it is expected to disrupt the last 486 amino acid(s) of the BBS10 protein.

Literature cited by the submitters: PubMed 20472660; PubMed 22773737; PubMed 25982971; PubMed 27486776.